The following is an entry in ClinVar:

NM_080425.4(GNAS):c.1167T>A (p.Asp389Glu)

Gene: GNAS (GNAS complex locus; plus strand). Cytogenetic location: 20q13.32.
Variant type: single nucleotide variant.
Coding change: c.1167T>A on transcript NM_080425.4 (MANE Plus Clinical); coding-DNA position 1167, T replaced by A.
Protein change: p.Asp389Glu; replaces aspartic acid 389 with glutamic acid.
Molecular consequence: missense variant. On other transcripts: intron variant (3).
Genome position (GRCh38, 1-based): chr20:58,854,432, T>A. VCF-style: chr20-58854432-T-A. GRCh37 (hg19) VCF-style: chr20-57429487-T-A.
Other names: c.980T>A, p.Ile327Lys (NM_001077490.3, NM_001309883.1); c.1167T>A, p.Asp389Glu (NM_001410913.1); c.*42+13546T>A (NM_016592.5); c.43+13546T>A (NM_001410912.1); c.-39+12557T>A (NM_001309861.2); short protein forms D389E, I327K.
Identifiers: ClinVar variation 3357655 (VCV003357655.2).

ClinVar aggregate classification (germline): Likely benign. Review status: criteria provided, single submitter (1 of 4 stars). 2 submissions from 2 submitters: Likely benign (1). 1 of the submissions does not count toward it. Last evaluated 2021-11-26.

Conditions:
GNAS-related disorder. Identifiers: MedGen CN380105.

gnomAD v4.1: 6 of 1,572,480 alleles (0.00038%); highest among the groups gnomAD compares: Non-Finnish European, 0.00052%; no homozygotes.

Submissions (2):

Blueprint Genetics
Classification: Likely benign. Last evaluated: 2021-11-26. Review status: criteria provided, single submitter. Criteria: ACMG Guidelines, 2015. Collection method: clinical testing. Allele origin: germline.

PreventionGenetics, part of Exact Sciences
Classification: Uncertain significance for GNAS-related condition. Last evaluated: 2024-08-13. Review status: no assertion criteria provided. Collection method: clinical testing. Allele origin: germline. Not counted in ClinVar's aggregate classification.
Comment: The GNAS c.1167T>A variant is predicted to result in the amino acid substitution p.Asp389Glu. To our knowledge, this variant has not been reported in the literature. This variant is reported in 0.0013% of alleles in individuals of European (Non-Finnish) descent in gnomAD. At this time, the clinical significance of this variant is uncertain due to the absence of conclusive functional and genetic evidence.